The following is an entry in ClinVar:

NM_001110556.2(FLNA):c.6425_6428del (p.Glu2142fs)

Gene: FLNA (filamin A; minus strand). Cytogenetic location: Xq28.
Variant type: Microsatellite.
Coding change: c.6425_6428del on transcript NM_001110556.2 (MANE Select); coding-DNA positions 6425 to 6428, 4 bases deleted (AGAG; older notation c.6425_6428delAGAG).
Protein change: p.Glu2142fs; shifts the reading frame from glutamic acid 2142.
Molecular consequence: frameshift variant.
Genome position (GRCh38, 1-based): chrX:154,352,627-154,352,630, CTCT deleted on the plus strand (AGAG on the coding strand, the reverse complement: FLNA is on the minus strand); deleting any 4 consecutive bases within chrX:154,352,627-154,352,632 gives the same sequence; the c. name uses the placement nearest the transcript's 3' end. VCF-style (leftmost placement, unchanged base first): chrX-154352626-GCTCT-G. GRCh37 (hg19) VCF-style: chrX-153580994-GCTCT-G.
Other names: c.6401_6404del, p.Glu2134fs (NM_001456.4); c.6401_6404del (NM_001456.3); short protein forms E2134fs, E2142fs.
Identifiers: ClinVar variation 1483077 (VCV001483077.7), dbSNP rs2148104376, ClinGen allele CA915940917.

ClinVar aggregate classification (germline): Likely pathogenic. Review status: criteria provided, multiple submitters, no conflicts (2 of 4 stars). 2 submissions from 2 submitters: Likely pathogenic (2). Last evaluated 2025-05-12.

Conditions:
Oto-palato-digital syndrome, type II (OPD2). Also called: FACIOPALATOOSSEOUS SYNDROME; OPD II SYNDROME; Otopalatodigital Syndrome, Type II; Otopalatodigital Syndrome Type 2 (FLNA-OPD2). Identifiers: Orphanet 669, Orphanet 90652, MedGen C1844696, MONDO:0010571, OMIM 304120.
Heterotopia, periventricular, X-linked dominant (PVNH1). Also called: PERIVENTRICULAR NODULAR HETEROTOPIA 4; HETEROTOPIA, PERIVENTRICULAR, 1; PERIVENTRICULAR NODULAR HETEROTOPIA 1; X-linked periventricular heterotopia. Identifiers: Orphanet 2149, Orphanet 82004, MedGen C1848213, MONDO:0010233, OMIM 300049.
Melnick-Needles syndrome (MNS). Also called: MELNICK-NEEDLES OSTEODYSPLASTY; OSTEODYSPLASTY OF MELNICK AND NEEDLES; Melnick-Needles Syndrome (FLNA-MNS). Identifiers: Orphanet 2484, MedGen C0025237, MONDO:0010650, OMIM 309350.
Frontometaphyseal dysplasia (FMD1). Identifiers: Orphanet 1826, MedGen C0265293, MONDO:0015942.

Submissions (2):

GeneDx
Classification: Likely pathogenic. Last evaluated: 2025-05-12. Review status: criteria provided, single submitter. Criteria: GeneDx Variant Classification Process June 2021. Collection method: clinical testing. Allele origin: germline. Affected: yes.
Comment: Previously reported in the hemizygous state in two brothers with chronic intestinal pseudo-obstruction, intestinal malrotation, and mitral regurgitation, mitral valve prolapse, and inguinal hernias; both siblings had a normal brain MRI, and were without seizures or developmental concerns (PMID: 26059841); RNA studies demonstrate both normal and alternative splicing, resulting from an in-frame skipping of exon 39; these results also demonstrated that the alternative splicing partially restores FLNA protein function, which may account for the atypically mild phenotype (PMID: 26059841); Deletions involving coding exons of this gene are a known mechanism of disease HGMD; Not observed at significant frequency in large population cohorts (gnomAD); This variant is associated with the following publications: (PMID: 26059841)

Labcorp Genetics (formerly Invitae), Labcorp
Classification: Likely pathogenic for Oto-palato-digital syndrome, type II; Heterotopia, periventricular, X-linked dominant; Frontometaphyseal dysplasia; Melnick-Needles syndrome. Last evaluated: 2021-10-24. Review status: criteria provided, single submitter. Criteria: Invitae Variant Classification Sherloc (09022015). Collection method: clinical testing. Allele origin: germline.
Comment: This premature translational stop signal has been observed in individual(s) with chronic idiopathic intestinal pseudo-obstruction (PMID: 26059841). This variant is not present in population databases (gnomAD no frequency). This sequence change creates a premature translational stop signal (p.Glu2134Alafs*22) in the FLNA gene. RNA analysis indicates that this premature translational stop signal induces altered splicing and likely results in a shortened protein product. This variant is also known as c.6425_6428delAGAG (p.Glu2142Alafs*22). In summary, the currently available evidence indicates that the variant is pathogenic, but additional data are needed to prove that conclusively. Therefore, this variant has been classified as Likely Pathogenic. Studies have shown that this premature translational stop signal results in skipping of exon 39 (also known as exon 40), but is expected to preserve the integrity of the reading-frame (PMID: 26059841). Studies have shown that this premature translational stop signal alters FLNA gene expression (PMID: 26059841).

Literature cited by the submitters: PubMed 26059841 (cited by Labcorp Genetics (formerly Invitae), Labcorp).